The following is an entry in ClinVar:

NM_024675.4(PALB2):c.86_108+12dup

Gene: PALB2 (partner and localizer of BRCA2; minus strand). Cytogenetic location: 16p12.2.
Variant type: Duplication.
Coding change: c.86_108+12dup on transcript NM_024675.4 (MANE Select); coding-DNA position 86 through 12 bases into the intron after coding-DNA position 108, 35 bases duplicated.
Molecular consequence: splice donor variant.
Genome position (GRCh38, 1-based): chr16:23,638,058-23,638,092, 35 bases duplicated. GRCh37 (hg19): chr16:23,649,379-23,649,413.
Other names: c.108+12_108+13insGCAAGACACTAGCCCGCCTTCAGGTAAGTGAATCG (NM_024675.4); c.86_108+12dupGCAAGACACTAGCCCGCCTTCAGGTAAGTGAATCG (NM_024675.3).
Identifiers: ClinVar variation 1350833 (VCV001350833.13), dbSNP rs2142459504, ClinGen allele CA2573152325.
Genomic context (GRCh38, chr16:23,638,057, plus strand): 5'-TTTTATAGAGTCAAGAACTGTTTTTAAATTGTTTGTACTATAACACCTTAATTTGAGAAT[A>ACGATTCACTTACCTGAAGGCGGGCTAGTGTCTTGC]CGATTCACTTACCTGAAGGCGGGCTAGTGTCTTGCTGTATTCCCTTTTCAAGAATGCTAA-3'

ClinVar aggregate classification (germline): Conflicting classifications of pathogenicity. Review status: criteria provided, conflicting classifications (1 of 4 stars). 3 submissions from 3 submitters: Likely pathogenic (1); Uncertain significance (2). Last evaluated 2025-01-17.

Conditions:
Hereditary cancer-predisposing syndrome. Also called: Neoplastic Syndromes, Hereditary; Tumor predisposition; Hereditary neoplastic syndrome; Hereditary Cancer Syndrome. Identifiers: Orphanet 140162, MedGen C0027672, MeSH D009386, MONDO:0015356.
Pancreatic cancer, susceptibility to, 3. Identifiers: Orphanet 1333, MedGen C3150547, MONDO:0013236, OMIM 613348.
Familial cancer of breast. Also called: hereditary breast carcinoma; Hereditary breast cancer; BREAST CANCER, FAMILIAL. Identifiers: Orphanet 227535, MedGen C0346153, MONDO:0016419, OMIM 114480. Disease mechanism: loss of function.

Submissions (3):

Ambry Genetics
Classification: Likely pathogenic for Hereditary cancer-predisposing syndrome. Last evaluated: 2025-01-17. Review status: criteria provided, single submitter. Criteria: Ambry Variant Classification Scheme 2023. Collection method: clinical testing. Allele origin: germline.
Comment: The c.86_108+12dup35 variant results from a duplication of 35 nucleotides between positions 86 and 108+12 and involves the canonical splice donor site after coding exon 2 of the PALB2 gene. The canonical splice donor site is highly conserved in available vertebrate species. In silico splice site analysis predicts that this alteration will weaken the native splice donor site and will result in the creation of a novel splice donor site. RNA studies have demonstrated that this alteration results in abnormal splicing in the set of samples tested (Ambry internal data). Based on the majority of available evidence to date, this variant is likely to be pathogenic.

Labcorp Genetics (formerly Invitae), Labcorp
Classification: Uncertain significance for Familial cancer of breast. Last evaluated: 2023-09-29. Review status: criteria provided, single submitter. Criteria: Invitae Variant Classification Sherloc (09022015). Collection method: clinical testing. Allele origin: germline.
Comment: This sequence change falls in intron 2 of the PALB2 gene. It does not directly change the encoded amino acid sequence of the PALB2 protein. This variant is not present in population databases (gnomAD no frequency). This variant has not been reported in the literature in individuals affected with PALB2-related conditions. ClinVar contains an entry for this variant (Variation ID: 1350833). In summary, the available evidence is currently insufficient to determine the role of this variant in disease. Therefore, it has been classified as a Variant of Uncertain Significance.

MGZ Medical Genetics Center
Classification: Uncertain significance for Pancreatic cancer, susceptibility to, 3. Last evaluated: 2022-08-25. Review status: criteria provided, single submitter. Criteria: ACMG Guidelines, 2015. Collection method: clinical testing. Allele origin: germline. Affected: yes. Observed: 1 variant allele.
Comment: ACMG criteria applied: PM2_SUP, PP3